The following is an entry in ClinVar:

ClinVar aggregate classification (germline): Conflicting classifications of pathogenicity. Review status: criteria provided, conflicting classifications (1 of 4 stars). 2 submissions from 2 submitters: Uncertain significance (1); Likely benign (1). Last evaluated 2026-06-10.

Conditions:
Hereditary cancer-predisposing syndrome. Also called: Tumor predisposition; Neoplastic Syndromes, Hereditary; Hereditary neoplastic syndrome; Hereditary Cancer Syndrome. Identifiers: Orphanet 140162, MedGen C0027672, MeSH D009386, MONDO:0015356.
Familial cancer of breast. Also called: Hereditary breast cancer; BREAST CANCER, FAMILIAL; hereditary breast carcinoma. Identifiers: Orphanet 227535, MedGen C0346153, MONDO:0016419, OMIM 114480. Disease mechanism: loss of function.

Submissions (2):

Ambry Genetics
Classification: Likely benign for Hereditary cancer-predisposing syndrome. Last evaluated: 2026-06-10. Review status: criteria provided, single submitter. Criteria: Ambry Variant Classification Scheme 2023. Collection method: clinical testing. Allele origin: germline.

Labcorp Genetics (formerly Invitae), Labcorp
Classification: Uncertain significance for Familial cancer of breast. Last evaluated: 2023-06-29. Review status: criteria provided, single submitter. Criteria: Invitae Variant Classification Sherloc (09022015). Collection method: clinical testing. Allele origin: germline.
Comment: In summary, the available evidence is currently insufficient to determine the role of this variant in disease. Therefore, it has been classified as a Variant of Uncertain Significance. Advanced modeling of protein sequence and biophysical properties (such as structural, functional, and spatial information, amino acid conservation, physicochemical variation, residue mobility, and thermodynamic stability) performed at Invitae indicates that this missense variant is not expected to disrupt PALB2 protein function. ClinVar contains an entry for this variant (Variation ID: 836680). This variant has not been reported in the literature in individuals affected with PALB2-related conditions. This variant is not present in population databases (gnomAD no frequency). This sequence change replaces glutamic acid, which is acidic and polar, with lysine, which is basic and polar, at codon 367 of the PALB2 protein (p.Glu367Lys).

NM_024675.4(PALB2):c.1099G>A (p.Glu367Lys)

Gene: PALB2 (partner and localizer of BRCA2; minus strand). Cytogenetic location: 16p12.2.
Variant type: single nucleotide variant.
Coding change: c.1099G>A on transcript NM_024675.4 (MANE Select); coding-DNA position 1099, G replaced by A.
Protein change: p.Glu367Lys; replaces glutamic acid 367 with lysine.
Molecular consequence: missense variant.
Genome position (GRCh38, 1-based): chr16:23,635,447, C>T on the plus strand (G>A on the coding strand, the complement: PALB2 is on the minus strand). VCF-style: chr16-23635447-C-T. GRCh37 (hg19) VCF-style: chr16-23646768-C-T.
Other names: short protein forms E367K.
Identifiers: ClinVar variation 836680 (VCV000836680.12), dbSNP rs1966993880, ClinGen allele CA395133866.